The following is an entry in ClinVar:

NM_005591.4(MRE11):c.1818G>T (p.Arg606Ser)

Gene: MRE11 (MRE11 double strand break repair nuclease; minus strand). Cytogenetic location: 11q21.
Variant type: single nucleotide variant.
Coding change: c.1818G>T on transcript NM_005591.4 (MANE Select); coding-DNA position 1818, G replaced by T.
Protein change: p.Arg606Ser; replaces arginine 606 with serine.
Molecular consequence: missense variant. On other transcripts: intron variant (6).
Genome position (GRCh38, 1-based): chr11:94,445,859, C>A on the plus strand (G>T on the coding strand, the complement: MRE11 is on the minus strand). VCF-style: chr11-94445859-C-A. GRCh37 (hg19) VCF-style: chr11-94179025-C-A.
Other names: c.1815G>T, p.Arg605Ser (NM_001330347.2, NM_001440464.1, NM_001440465.1); c.1818G>T, p.Arg606Ser (NM_001440460.1, NM_001440461.1, NM_001440462.1 and 2 more transcripts); c.1737G>T, p.Arg579Ser (NM_001440473.1); c.1734G>T, p.Arg578Ser (NM_001440477.1, NM_001440478.1); c.1680G>T, p.Arg560Ser (NM_001440479.1); c.1473G>T, p.Arg491Ser (NM_001440482.1, NM_001440483.1); c.1470G>T, p.Arg490Ser (NM_001440484.1); c.1350G>T, p.Arg450Ser (NM_001440485.1, NM_001440486.1, NM_001440487.1); and 6 more; short protein forms R450S, R490S, R491S, R560S, R578S, R579S, R580S, R581S.
Identifiers: ClinVar variation 4860264 (VCV004860264.1).

ClinVar aggregate classification (germline): Uncertain significance (1 of 4 stars; one submission).

Conditions:
Hereditary cancer-predisposing syndrome. Also called: Neoplastic Syndromes, Hereditary; Tumor predisposition; Hereditary Cancer Syndrome; Hereditary neoplastic syndrome. Identifiers: Orphanet 140162, MedGen C0027672, MeSH D009386, MONDO:0015356.

Submission:

Ambry Genetics
Classification: Uncertain significance for Hereditary cancer-predisposing syndrome. Last evaluated: 2026-04-04. Review status: criteria provided, single submitter. Criteria: Ambry Variant Classification Scheme 2023. Collection method: clinical testing. Allele origin: germline.
Comment: The p.R606S variant (also known as c.1818G>T), located in coding exon 15 of the MRE11A gene, results from a G to T substitution at nucleotide position 1818. The arginine at codon 606 is replaced by serine, an amino acid with dissimilar properties. This amino acid position is conserved. In addition, the in silico prediction for this alteration is inconclusive. Based on the available evidence, the clinical significance of this variant remains unclear.